The following is an entry in ClinVar:

ClinVar aggregate classification (germline): Conflicting classifications of pathogenicity. Review status: criteria provided, conflicting classifications (1 of 4 stars). 4 submissions from 4 submitters: Uncertain significance (2); Likely benign (1). 1 of the submissions does not count toward it. Last evaluated 2023-12-22.

Conditions:
Nemaline myopathy 2 (NEM2). Also called: Nemaline myopathy 2, autosomal recessive. Identifiers: MedGen C1850569, MONDO:0009725, OMIM 256030.
Inborn genetic diseases. Identifiers: MedGen C0950123, MeSH D030342.

Allele frequency attached by ClinVar (database versions not stated): gnomAD exomes 0.00001; TOPMed 0.00002.
gnomAD v4.1: 11 of 1,613,496 alleles (0.00068%); highest among the groups gnomAD compares: South Asian, 0.0022%; no homozygotes.

Submissions (4):

GeneDx
Classification: Uncertain significance. Last evaluated: 2023-12-22. Review status: criteria provided, single submitter. Criteria: GeneDx Variant Classification Process June 2021. Collection method: clinical testing. Allele origin: germline. Affected: yes.
Comment: Not observed at significant frequency in large population cohorts (gnomAD); In silico analysis supports that this missense variant does not alter protein structure/function; Has not been previously published as pathogenic or benign to our knowledge

Labcorp Genetics (formerly Invitae), Labcorp
Classification: Likely benign for Nemaline myopathy 2. Last evaluated: 2023-10-29. Review status: criteria provided, single submitter. Criteria: Invitae Variant Classification Sherloc (09022015). Collection method: clinical testing. Allele origin: germline.

Ambry Genetics
Classification: Uncertain significance for Inborn genetic diseases. Last evaluated: 2021-09-17. Review status: criteria provided, single submitter. Criteria: Ambry Variant Classification Scheme 2023. Collection method: clinical testing. Allele origin: germline.

Natera, Inc.
Classification: Uncertain significance for Nemaline myopathy type 2. Last evaluated: 2020-04-13. Review status: no assertion criteria provided. Collection method: clinical testing. Allele origin: germline. Not counted in ClinVar's aggregate classification.

NM_001164508.2(NEB):c.3349G>A (p.Val1117Met)

Gene: NEB (nebulin; minus strand). Cytogenetic location: 2q23.3.
Variant type: single nucleotide variant.
Coding change: c.3349G>A on transcript NM_001164508.2 (MANE Select); coding-DNA position 3349, G replaced by A.
Protein change: p.Val1117Met; replaces valine 1117 with methionine.
Molecular consequence: missense variant.
Genome position (GRCh38, 1-based): chr2:151,678,094, C>T on the plus strand (G>A on the coding strand, the complement: NEB is on the minus strand). VCF-style: chr2-151678094-C-T. GRCh37 (hg19) VCF-style: chr2-152534608-C-T.
Other names: c.3349G>A (NM_004543.4); c.3349G>A, p.Val1117Met (NM_001164507.2, NM_001271208.2, NM_004543.5); short protein forms V1117M.
Identifiers: ClinVar variation 942381 (VCV000942381.12), dbSNP rs1404806019, ClinGen allele CA348819313.